The following is an entry in ClinVar:

ClinVar aggregate classification (germline): Uncertain significance (1 of 4 stars; one submission).

Submission:

Labcorp Genetics (formerly Invitae), Labcorp
Classification: Uncertain significance. Last evaluated: 2023-02-24. Review status: criteria provided, single submitter. Criteria: Invitae Variant Classification Sherloc (09022015). Collection method: clinical testing. Allele origin: germline.
Comment: Advanced modeling of protein sequence and biophysical properties (such as structural, functional, and spatial information, amino acid conservation, physicochemical variation, residue mobility, and thermodynamic stability) performed at Invitae indicates that this missense variant is not expected to disrupt FGD1 protein function. This variant has not been reported in the literature in individuals affected with FGD1-related conditions. This variant is not present in population databases (gnomAD no frequency). In summary, the available evidence is currently insufficient to determine the role of this variant in disease. Therefore, it has been classified as a Variant of Uncertain Significance. This sequence change replaces serine, which is neutral and polar, with tryptophan, which is neutral and slightly polar, at codon 98 of the FGD1 protein (p.Ser98Trp).

NM_004463.3(FGD1):c.293C>G (p.Ser98Trp)

Gene: FGD1 (FYVE, RhoGEF and PH domain containing 1; minus strand). Cytogenetic location: Xp11.22.
Variant type: single nucleotide variant.
Coding change: c.293C>G on transcript NM_004463.3 (MANE Select); coding-DNA position 293, C replaced by G.
Protein change: p.Ser98Trp; replaces serine 98 with tryptophan.
Molecular consequence: missense variant.
Genome position (GRCh38, 1-based): chrX:54,495,140, G>C on the plus strand (C>G on the coding strand, the complement: FGD1 is on the minus strand). VCF-style: chrX-54495140-G-C. GRCh37 (hg19) VCF-style: chrX-54521573-G-C.
Other names: short protein forms S98W.
Identifiers: ClinVar variation 2840527 (VCV002840527.3), dbSNP rs753827121, ClinGen allele CA413254410.